The following is an entry in ClinVar:

NM_000180.4(GUCY2D):c.982G>C (p.Ala328Pro)

Gene: GUCY2D (guanylate cyclase 2D, retinal; plus strand). Cytogenetic location: 17p13.1.
Variant type: single nucleotide variant.
Coding change: c.982G>C on transcript NM_000180.4 (MANE Select); coding-DNA position 982, G replaced by C.
Protein change: p.Ala328Pro; replaces alanine 328 with proline.
Molecular consequence: missense variant.
Genome position (GRCh38, 1-based): chr17:8,004,112, G>C. VCF-style: chr17-8004112-G-C. GRCh37 (hg19) VCF-style: chr17-7907430-G-C.
Other names: NM_000180.4:c.982G>C; short protein forms A328P.
Identifiers: ClinVar variation 4538537 (VCV004538537.2).

ClinVar aggregate classification (germline): Uncertain significance. Review status: reviewed by expert panel (3 of 4 stars). 2 submissions from 2 submitters: Uncertain significance (1). 1 of the submissions does not count toward it. Last evaluated 2025-12-19.

Conditions:
GUCY2D-related recessive retinopathy. Also called: Recessive GUCY2D retinopathy. Identifiers: MedGen CN305603, MONDO:0100453.
GUCY2D-related disorders.

Submissions (2):

ClinGen Leber Congenital Amaurosis/early Onset Retinal Dystrophy Variant Curation Expert Panel, ClinGen
Classification: Uncertain significance for GUCY2D-related recessive retinopathy. Last evaluated: 2025-12-19. Review status: reviewed by expert panel. Criteria: ClinGen LCAeoRD ACMG Specifications GUCY2D V1.0.0. Collection method: curation. Allele origin: germline. Inheritance: Autosomal recessive inheritance.
Comment: NM_000180.4(GUCY2D):c.982G>C (p.Ala328Pro) is a missense substitution that replaces alanine with proline at amino acid 328. This variant is absent from gnomAD v4.1.0 (PM2_Supporting). This variant has been reported in at least 1 proband with early-onset severe retinal dystrophy who was compound heterozygous with the NM_000180.4(GUCY2D):c.3020C>A (p.Ser1007Ter) variant confirmed in trans, which was previously classified likely pathogenic by the ClinGen LCA/eoRD VCEP (1 total point, VCEP member-provided data, PM3). A second case has been reported with early-onset severe retinal dystrophy who was compound heterozygous with the NM_000180.4(GUCY2D):c.997G>A (p.Glu333Lys) variant confirmed in trans (PMID: 31736247), but has not been counted for PM3 to avoid circularity. The computational predictor REVEL gives a score of 0.631, which is below the ClinGen LCA/eoRD VCEP threshold of ≥0.644 and does not predict a damaging effect on RetGC-1 protein function. Additionally, the splicing impact predictor SpliceAI gives a score of 0.01 for acceptor gain, which is below the ClinGen LCA/eoRD VCEP recommended threshold of ≥0.2 and does not strongly predict an impact on splicing. In summary, this variant meets the criteria to be classified as a Variant of Uncertain Significance for GUCY2D-related recessive retinopathy based on the ACMG/AMP criteria applied, as specified by the ClinGen LCA/eoRD VCEP: PM2_Supporting, PM3. (VCEP specifications version 1.0.0; date of approval 01/22/2025).

Blueprint Genetics
Classification: Likely pathogenic for GUCY2D-related disorders. Last evaluated: 2021-07-12. Review status: criteria provided, single submitter. Criteria: ACMG Guidelines, 2015. Collection method: clinical testing. Allele origin: germline. Affected: yes. Observed: 2 variant alleles. Not counted in ClinVar's aggregate classification.